The following is an entry in ClinVar:

ClinVar aggregate classification (germline): Likely benign. Review status: criteria provided, multiple submitters, no conflicts (2 of 4 stars). 3 submissions from 3 submitters: Likely benign (3). Last evaluated 2023-05-01.

Conditions:
Neuroblastoma, susceptibility to, 3. Also called: ALK-Related Neuroblastic Tumor Susceptibility. Identifiers: Orphanet 635, MedGen C2751681, MONDO:0013083, OMIM 613014.
Hereditary cancer-predisposing syndrome. Also called: Hereditary neoplastic syndrome; Tumor predisposition; Neoplastic Syndromes, Hereditary; Hereditary Cancer Syndrome. Identifiers: Orphanet 140162, MedGen C0027672, MeSH D009386, MONDO:0015356.

Submissions (3):

CeGaT Center for Human Genetics Tuebingen
Classification: Likely benign. Last evaluated: 2023-05-01. Review status: criteria provided, single submitter. Criteria: CeGaT Center For Human Genetics Tuebingen Variant Classification Criteria Version 2. Collection method: clinical testing. Allele origin: germline. Affected: yes. Observed: 1 variant allele.
Comment: ALK: PM2:Supporting, BP4, BP7

Labcorp Genetics (formerly Invitae), Labcorp
Classification: Likely benign for Neuroblastoma, susceptibility to, 3. Last evaluated: 2022-08-29. Review status: criteria provided, single submitter. Criteria: Invitae Variant Classification Sherloc (09022015). Collection method: clinical testing. Allele origin: germline.

Ambry Genetics
Classification: Likely benign for Hereditary cancer-predisposing syndrome. Last evaluated: 2021-11-21. Review status: criteria provided, single submitter. Criteria: Ambry Variant Classification Scheme 2023. Collection method: clinical testing. Allele origin: germline.

NM_004304.5(ALK):c.3654C>T (p.Pro1218=)

Gene: ALK (ALK receptor tyrosine kinase; minus strand). Cytogenetic location: 2p23.2.
Variant type: single nucleotide variant.
Coding change: c.3654C>T on transcript NM_004304.5 (MANE Select); coding-DNA position 3654, C replaced by T.
Protein change: p.Pro1218=; no amino-acid change (proline 1218 retained).
Molecular consequence: synonymous variant.
Genome position (GRCh38, 1-based): chr2:29,214,073, G>A on the plus strand (C>T on the coding strand, the complement: ALK is on the minus strand). VCF-style: chr2-29214073-G-A. GRCh37 (hg19) VCF-style: chr2-29436939-G-A.
Other names: c.450C>T, p.Pro150= (NM_001353765.2).
Identifiers: ClinVar variation 1733619 (VCV001733619.31), dbSNP rs1378214258, ClinGen allele CA425434989.